The following is an entry in ClinVar:

NM_133259.4(LRPPRC):c.3235T>A (p.Ser1079Thr)

Gene: LRPPRC (leucine rich pentatricopeptide repeat containing; minus strand). Cytogenetic location: 2p21.
Variant type: single nucleotide variant.
Coding change: c.3235T>A on transcript NM_133259.4 (MANE Select); coding-DNA position 3235, T replaced by A.
Protein change: p.Ser1079Thr; replaces serine 1079 with threonine.
Molecular consequence: missense variant.
Genome position (GRCh38, 1-based): chr2:43,912,472, A>T on the plus strand (T>A on the coding strand, the complement: LRPPRC is on the minus strand). VCF-style: chr2-43912472-A-T. GRCh37 (hg19) VCF-style: chr2-44139611-A-T.
Other names: short protein forms S1079T.
Identifiers: ClinVar variation 2146798 (VCV002146798.2), dbSNP rs769476622, ClinGen allele CA1638143.

ClinVar aggregate classification (germline): Uncertain significance. Review status: criteria provided, multiple submitters, no conflicts (2 of 4 stars). 2 submissions from 2 submitters: Uncertain significance (2). Last evaluated 2022-04-04.

Conditions:
Congenital lactic acidosis, Saguenay-Lac-Saint-Jean type (MC4DN5). Also called: MITOCHONDRIAL COMPLEX IV DEFICIENCY, NUCLEAR TYPE 5; CYTOCHROME c OXIDASE DEFICIENCY, FRENCH CANADIAN TYPE; COX DEFICIENCY, FRENCH CANADIAN TYPE. Identifiers: Orphanet 70472, MedGen C1857355, MONDO:0009069, OMIM 220111.

Allele frequency attached by ClinVar (database versions not stated): ExAC 0.00001; gnomAD 0.00002.
gnomAD v4.1: 18 of 1,605,170 alleles (0.0011%); highest among the groups gnomAD compares: Admixed American, 0.005%; no homozygotes.

Submissions (2):

Labcorp Genetics (formerly Invitae), Labcorp
Classification: Uncertain significance. Last evaluated: 2022-04-04. Review status: criteria provided, single submitter. Criteria: Invitae Variant Classification Sherloc (09022015). Collection method: clinical testing. Allele origin: germline.
Comment: This sequence change replaces serine, which is neutral and polar, with threonine, which is neutral and polar, at codon 1079 of the LRPPRC protein (p.Ser1079Thr). This variant is present in population databases (rs769476622, gnomAD 0.006%). This variant has not been reported in the literature in individuals affected with LRPPRC-related conditions. Algorithms developed to predict the effect of missense changes on protein structure and function output the following: SIFT: "Tolerated"; PolyPhen-2: "Benign"; Align-GVGD: "Class C0". The threonine amino acid residue is found in multiple mammalian species, which suggests that this missense change does not adversely affect protein function. In summary, the available evidence is currently insufficient to determine the role of this variant in disease. Therefore, it has been classified as a Variant of Uncertain Significance.

Department of Pathology and Laboratory Medicine, Sinai Health System
Classification: Uncertain significance for Congenital lactic acidosis, Saguenay-Lac-Saint-Jean type. Last evaluated: 2021-09-29. Review status: criteria provided, single submitter. Criteria: ACMG Guidelines, 2015. Collection method: research. Allele origin: germline.